The following is an entry in ClinVar:

NM_144596.4(TTC8):c.890G>A (p.Gly297Glu)

Gene: TTC8 (tetratricopeptide repeat domain 8; plus strand). Cytogenetic location: 14q31.3.
Variant type: single nucleotide variant.
Coding change: c.890G>A on transcript NM_144596.4 (MANE Select); coding-DNA position 890, G replaced by A.
Protein change: p.Gly297Glu; replaces glycine 297 with glutamic acid.
Molecular consequence: missense variant. On other transcripts: non-coding transcript variant (1).
Genome position (GRCh38, 1-based): chr14:88,861,313, G>A. VCF-style: chr14-88861313-G-A. GRCh37 (hg19) VCF-style: chr14-89327657-G-A.
Other names: c.890G>A (NM_144596.3); c.938G>A, p.Gly313Glu (NM_001288781.1); c.296G>A, p.Gly99Glu (NM_001288782.1); c.173G>A, p.Gly58Glu (NM_001288783.1); c.860G>A, p.Gly287Glu (NM_001366535.2, NM_198309.3); c.770G>A, p.Gly257Glu (NM_001366536.2, NM_198310.3); short protein forms G313E, G297E, G58E, G99E, G257E, G287E.
Identifiers: ClinVar variation 1927912 (VCV001927912.5), dbSNP rs765150552, ClinGen allele CA7302615.
Genomic context (GRCh38, chr14:88,861,313, plus strand): 5'-CTTTAAATCTTTTCAAACAAGGCTTAGATAAGTTTCCAGGAGAAGTAACCCTGCTCTGTG[G>A]AATTGCAAGAATCTATGAGGTAATTCATGTTATTATTATTATTATTTATTGATACACAAT-3'
Protein context (NP_653197.2, residues 287-307): KFPGEVTLLC[Gly297Glu]IARIYEEMNN

ClinVar aggregate classification (germline): Uncertain significance. Review status: criteria provided, multiple submitters, no conflicts (2 of 4 stars). 2 submissions from 2 submitters: Uncertain significance (2). Last evaluated 2025-07-17.

Conditions:
TTC8-related disorder. Also called: TTC8-related condition.
Bardet-Biedl syndrome (BBS). Identifiers: Orphanet 110, MedGen C0752166, MONDO:0015229.

Allele frequency attached by ClinVar (database versions not stated): ExAC 0.00001; TOPMed 0.00001.

Submissions (2):

PreventionGenetics, part of Exact Sciences
Classification: Uncertain significance for TTC8-related condition. Last evaluated: 2025-07-17. Review status: criteria provided, single submitter. Criteria: ACMG Guidelines, 2015. Collection method: clinical testing. Allele origin: germline.
Comment: The TTC8 c.890G>A variant is predicted to result in the amino acid substitution p.Gly297Glu. To our knowledge, this variant has not been reported in the literature. This variant is reported in 0.0033% of alleles in individuals of South Asian descent in gnomAD. At this time, the clinical significance of this variant is uncertain due to the absence of conclusive functional and genetic evidence.

Labcorp Genetics (formerly Invitae), Labcorp
Classification: Uncertain significance for Bardet-Biedl syndrome. Last evaluated: 2025-01-06. Review status: criteria provided, single submitter. Criteria: Invitae Variant Classification Sherloc (09022015). Collection method: clinical testing. Allele origin: germline.
Comment: This sequence change replaces glycine, which is neutral and non-polar, with glutamic acid, which is acidic and polar, at codon 287 of the TTC8 protein (p.Gly287Glu). This variant is present in population databases (rs765150552, gnomAD 0.003%). This variant has not been reported in the literature in individuals affected with TTC8-related conditions. ClinVar contains an entry for this variant (Variation ID: 1927912). Invitae Evidence Modeling of protein sequence and biophysical properties (such as structural, functional, and spatial information, amino acid conservation, physicochemical variation, residue mobility, and thermodynamic stability) indicates that this missense variant is not expected to disrupt TTC8 protein function with a negative predictive value of 80%. In summary, the available evidence is currently insufficient to determine the role of this variant in disease. Therefore, it has been classified as a Variant of Uncertain Significance.